The following is an entry in ClinVar:

NM_000593.6(TAP1):c.1048C>T (p.Gln350Ter)

Gene: TAP1 (transporter 1, ATP binding cassette subfamily B member; minus strand). Cytogenetic location: 6p21.32.
Variant type: single nucleotide variant.
Coding change: c.1048C>T on transcript NM_000593.6 (MANE Select); coding-DNA position 1048, C replaced by T.
Protein change: p.Gln350Ter; replaces glutamine 350 with a stop codon.
Molecular consequence: nonsense.
Genome position (GRCh38, 1-based): chr6:32,850,946, G>A on the plus strand (C>T on the coding strand, the complement: TAP1 is on the minus strand). VCF-style: chr6-32850946-G-A. GRCh37 (hg19) VCF-style: chr6-32818723-G-A.
Other names: c.445C>T, p.Gln149Ter (NM_001292022.2); short protein forms Q149*, Q350*.
Identifiers: ClinVar variation 5007036 (VCV005007036.2).
Genomic context (GRCh38, chr6:32,850,946, plus strand): 5'-GTCTGCCAAGTCTGGGAGATGAGGGTCTGTGTAGAGCGGGCCAACTCCATGAACATACCT[G>A]GTACCATTTTCCCACCTTCTTGGGCAGAAGGAAAAGCAGAGGCAGGGTGATCAGGGTGAC-3'

ClinVar aggregate classification (germline): Likely pathogenic (1 of 4 stars; one submission).

Conditions:
MHC class I deficiency 1 (MHC1D1). Also called: HLA CLASS I DEFICIENCY, 1; BARE LYMPHOCYTE SYNDROME, TYPE I; BLS, TYPE I. Identifiers: MedGen C1858266, MONDO:0971006, OMIM 604571.

Submission:

Juno Genomics, Hangzhou Juno Genomics, Inc
Classification: Likely pathogenic for MHC class I deficiency 1. Review status: criteria provided, single submitter. Criteria: ACMG Guidelines, 2015. Collection method: clinical testing. Allele origin: germline.
Comment: Null variant in a gene where loss of function (LOF) is a known mechanism of disease.;Absent from controls (or at extremely low frequency if recessive) in Genome Aggregation Database.